The following is an entry in ClinVar:

ClinVar aggregate classification (germline): Uncertain significance (1 of 4 stars; one submission).

Conditions:
Deficiency of hyaluronoglucosaminidase (MPS9). Also called: MPS IX; Mucopolysaccharidosis type 9; HYALURONIDASE DEFICIENCY. Identifiers: Orphanet 67041, MedGen C1291490, MONDO:0011093, OMIM 601492.

Allele frequency attached by ClinVar (database versions not stated): gnomAD exomes below 0.00001; ExAC 0.00001.

Submission:

Labcorp Genetics (formerly Invitae), Labcorp
Classification: Uncertain significance for Deficiency of hyaluronoglucosaminidase. Last evaluated: 2022-07-13. Review status: criteria provided, single submitter. Criteria: Invitae Variant Classification Sherloc (09022015). Collection method: clinical testing. Allele origin: germline.
Comment: This sequence change replaces methionine, which is neutral and non-polar, with valine, which is neutral and non-polar, at codon 183 of the HYAL1 protein (p.Met183Val). This variant is present in population databases (rs782798734, gnomAD 0.006%). This variant has not been reported in the literature in individuals affected with HYAL1-related conditions. Algorithms developed to predict the effect of missense changes on protein structure and function are either unavailable or do not agree on the potential impact of this missense change (SIFT: "Deleterious"; PolyPhen-2: "Probably Damaging"; Align-GVGD: "Class C0"). In summary, the available evidence is currently insufficient to determine the role of this variant in disease. Therefore, it has been classified as a Variant of Uncertain Significance.

NM_033159.4(HYAL1):c.547A>G (p.Met183Val)

Gene: HYAL1 (hyaluronidase 1; minus strand). Cytogenetic location: 3p21.31.
Variant type: single nucleotide variant.
Coding change: c.547A>G on transcript NM_033159.4 (MANE Select); coding-DNA position 547, A replaced by G.
Protein change: p.Met183Val; replaces methionine 183 with valine.
Molecular consequence: missense variant. On other transcripts: initiator codon variant (1), non-coding transcript variant (1), intron variant (1).
Genome position (GRCh38, 1-based): chr3:50,302,410, T>C on the plus strand (A>G on the coding strand, the complement: HYAL1 is on the minus strand). VCF-style: chr3-50302410-T-C. GRCh37 (hg19) VCF-style: chr3-50339841-T-C.
Other names: c.1A>G, p.Met1Val (NM_153283.3); c.-26-205A>G (NM_153285.3); c.547A>G, p.Met183Val (NM_007312.3, NM_153281.2, NM_153282.3); short protein forms M183V, M1V.
Identifiers: ClinVar variation 2186105 (VCV002186105.2), dbSNP rs782798734, ClinGen allele CA2415921.